The following is an entry in ClinVar:

ClinVar aggregate classification (germline): Uncertain significance (1 of 4 stars; one submission).

gnomAD v4.1: 2 of 1,613,894 alleles (0.00012%); highest among the groups gnomAD compares: Admixed American, 0.0017%; no homozygotes.

Submission:

Labcorp Genetics (formerly Invitae), Labcorp
Classification: Uncertain significance. Last evaluated: 2025-06-20. Review status: criteria provided, single submitter. Criteria: Invitae Variant Classification Sherloc (09022015). Collection method: clinical testing. Allele origin: germline.
Comment: This sequence change replaces methionine, which is neutral and non-polar, with valine, which is neutral and non-polar, at codon 348 of the TRAP1 protein (p.Met348Val). This variant is present in population databases (rs764537998, gnomAD 0.003%). This variant has not been reported in the literature in individuals affected with TRAP1-related conditions. An algorithm developed to predict the effect of missense changes on protein structure and function (PolyPhen-2) suggests that this variant is likely to be tolerated. In summary, the available evidence is currently insufficient to determine the role of this variant in disease. Therefore, it has been classified as a Variant of Uncertain Significance.

NM_016292.3(TRAP1):c.1042A>G (p.Met348Val)

Gene: TRAP1 (TNF receptor associated protein 1; minus strand). Cytogenetic location: 16p13.3.
Variant type: single nucleotide variant.
Coding change: c.1042A>G on transcript NM_016292.3 (MANE Select); coding-DNA position 1042, A replaced by G.
Protein change: p.Met348Val; replaces methionine 348 with valine.
Molecular consequence: missense variant.
Genome position (GRCh38, 1-based): chr16:3,674,341, T>C on the plus strand (A>G on the coding strand, the complement: TRAP1 is on the minus strand). VCF-style: chr16-3674341-T-C. GRCh37 (hg19) VCF-style: chr16-3724342-T-C.
Other names: c.883A>G, p.Met295Val (NM_001272049.2); short protein forms M348V, M295V.
Identifiers: ClinVar variation 4778853 (VCV004778853.1).